The following is an entry in ClinVar:

NM_004385.5(VCAN):c.3650T>C (p.Leu1217Pro)

Gene: VCAN (versican; plus strand). Cytogenetic location: 5q14.3.
Variant type: single nucleotide variant.
Coding change: c.3650T>C on transcript NM_004385.5 (MANE Select); coding-DNA position 3650, T replaced by C.
Protein change: p.Leu1217Pro; replaces leucine 1217 with proline.
Molecular consequence: missense variant. On other transcripts: intron variant (2).
Genome position (GRCh38, 1-based): chr5:83,521,956, T>C. VCF-style: chr5-83521956-T-C. GRCh37 (hg19) VCF-style: chr5-82817775-T-C.
Other names: c.3650T>C (NM_004385.4); c.3650T>C, p.Leu1217Pro (NM_001164098.2); c.1042+9560T>C (NM_001164097.2, NM_001126336.3); short protein forms L1217P.
Identifiers: ClinVar variation 1919779 (VCV001919779.7), dbSNP rs903299574, ClinGen allele CA121793906.

ClinVar aggregate classification (germline): Uncertain significance. Review status: criteria provided, multiple submitters, no conflicts (2 of 4 stars). 2 submissions from 2 submitters: Uncertain significance (2). Last evaluated 2023-06-21.

Conditions:
Inborn genetic diseases. Identifiers: MedGen C0950123, MeSH D030342.

Allele frequency attached by ClinVar (database versions not stated): gnomAD exomes below 0.00001; gnomAD 0.00001; TOPMed 0.00002.
gnomAD v4.1: 5 of 1,614,054 alleles (0.00031%); highest among the groups gnomAD compares: African/African-American, 0.004%; no homozygotes.

Submissions (2):

Ambry Genetics
Classification: Uncertain significance for Inborn genetic diseases. Last evaluated: 2023-06-21. Review status: criteria provided, single submitter. Criteria: Ambry Variant Classification Scheme 2023. Collection method: clinical testing. Allele origin: germline.

Labcorp Genetics (formerly Invitae), Labcorp
Classification: Uncertain significance. Last evaluated: 2023-03-20. Review status: criteria provided, single submitter. Criteria: Invitae Variant Classification Sherloc (09022015). Collection method: clinical testing. Allele origin: germline.
Comment: This sequence change replaces leucine, which is neutral and non-polar, with proline, which is neutral and non-polar, at codon 1217 of the VCAN protein (p.Leu1217Pro). This variant is not present in population databases (gnomAD no frequency). This variant has not been reported in the literature in individuals affected with VCAN-related conditions. ClinVar contains an entry for this variant (Variation ID: 1919779). Algorithms developed to predict the effect of missense changes on protein structure and function output the following: SIFT: "Not Available"; PolyPhen-2: "Benign"; Align-GVGD: "Not Available". The proline amino acid residue is found in multiple mammalian species, which suggests that this missense change does not adversely affect protein function. In summary, the available evidence is currently insufficient to determine the role of this variant in disease. Therefore, it has been classified as a Variant of Uncertain Significance.